The following is an entry in ClinVar:

ClinVar aggregate classification (germline): Pathogenic. Review status: criteria provided, multiple submitters, no conflicts (2 of 4 stars). 3 submissions from 3 submitters: Pathogenic (3). Last evaluated 2024-10-15.

Conditions:
Hereditary cancer-predisposing syndrome. Also called: Neoplastic Syndromes, Hereditary; Tumor predisposition; Hereditary Cancer Syndrome; Hereditary neoplastic syndrome. Identifiers: Orphanet 140162, MedGen C0027672, MeSH D009386, MONDO:0015356.
Familial adenomatous polyposis 1 (FAP1). Also called: FAMILIAL ADENOMATOUS POLYPOSIS 1, ATTENUATED; POLYPOSIS, ADENOMATOUS INTESTINAL. Identifiers: MedGen C2713442, MONDO:0021056, OMIM 175100. Disease mechanism: loss of function.

Submissions (3):

Ambry Genetics
Classification: Pathogenic for Hereditary cancer-predisposing syndrome. Last evaluated: 2024-10-15. Review status: criteria provided, single submitter. Criteria: Ambry Variant Classification Scheme 2023. Collection method: clinical testing. Allele origin: germline.
Comment: The p.R1336* pathogenic mutation (also known as c.4006A>T), located in coding exon 15 of the APC gene, results from an A to T substitution at nucleotide position 4006. This changes the amino acid from an arginine to a stop codon within coding exon 15. This alteration occurs at the 3' terminus of theAPC gene, is not expected to trigger nonsense-mediated mRNA decay, and only impacts the last 53% of the protein. However, premature stop codons are typically deleterious in nature and the impacted region is critical for protein function (Ambry internal data). This variant was reported in multiple individuals with APC-related familial adenomatous polyposis (De Rosa M et al. Dis Colon Rectum, 2009 Feb;52:268-74; Ambry internal data). This variant is considered to be rare based on population cohorts in the Genome Aggregation Database (gnomAD). Based on the supporting evidence, this variant is interpreted as a disease-causing mutation.

Labcorp Genetics (formerly Invitae), Labcorp
Classification: Pathogenic for Familial adenomatous polyposis 1. Last evaluated: 2024-10-02. Review status: criteria provided, single submitter. Criteria: Invitae Variant Classification Sherloc (09022015). Collection method: clinical testing. Allele origin: germline.
Comment: This sequence change creates a premature translational stop signal (p.Arg1336*) in the APC gene. While this is not anticipated to result in nonsense mediated decay, it is expected to disrupt the last 1508 amino acid(s) of the APC protein. This variant is not present in population databases (gnomAD no frequency). This premature translational stop signal has been observed in individual(s) with familial adenomatous polyposis (PMID: 19279422). ClinVar contains an entry for this variant (Variation ID: 648675). This variant is expected to disrupt the EB1 and HDLG binding sites, which mediate interactions with the cytoskeleton (PMID: 15311282, 17293347). While functional studies have not been performed to directly test the effect on APC protein function, this suggests that disruption of the C-terminal portion of the protein is functionally important. A different truncation (p.Tyr2645Lysfs*14) that lies downstream of this variant has been determined to be pathogenic (PMID: 9824584, 1316610, 27081525, 8381579, 22135120, internal data). This suggests that deletion of this region of the APC protein is causative of disease. For these reasons, this variant has been classified as Pathogenic.

Myriad Genetics, Inc.
Classification: Pathogenic for Familial adenomatous polyposis 1. Last evaluated: 2023-05-10. Review status: criteria provided, single submitter. Criteria: Myriad Autosomal Dominant, Autosomal Recessive and X-Linked Classification Criteria (2023). Collection method: clinical testing. Allele origin: unknown.
Comment: This variant is considered pathogenic. This variant creates a termination codon and is predicted to result in premature protein truncation.

Literature cited by the submitters: PubMed 19279422 (cited by Ambry Genetics and Labcorp Genetics (formerly Invitae), Labcorp); PubMed 15311282 (cited by Labcorp Genetics (formerly Invitae), Labcorp); PubMed 17293347 (cited by Labcorp Genetics (formerly Invitae), Labcorp); PubMed 9824584 (cited by Labcorp Genetics (formerly Invitae), Labcorp); PubMed 1316610 (cited by Labcorp Genetics (formerly Invitae), Labcorp); PubMed 27081525 (cited by Labcorp Genetics (formerly Invitae), Labcorp); PubMed 8381579 (cited by Labcorp Genetics (formerly Invitae), Labcorp); PubMed 22135120 (cited by Labcorp Genetics (formerly Invitae), Labcorp).

NM_000038.6(APC):c.4006A>T (p.Arg1336Ter)

Gene: APC (APC regulator of Wnt signaling pathway; plus strand). Cytogenetic location: 5q22.2.
Variant type: single nucleotide variant.
Coding change: c.4006A>T on transcript NM_000038.6 (MANE Select); coding-DNA position 4006, A replaced by T.
Protein change: p.Arg1336Ter; replaces arginine 1336 with a stop codon.
Molecular consequence: nonsense.
Genome position (GRCh38, 1-based): chr5:112,839,600, A>T. VCF-style: chr5-112839600-A-T. GRCh37 (hg19) VCF-style: chr5-112175297-A-T.
Other names: c.4006A>T, p.Arg1336Ter (NM_001127510.3, NM_001354895.2); c.3952A>T, p.Arg1318Ter (NM_001127511.3); c.4060A>T, p.Arg1354Ter (NM_001354896.2); c.4036A>T, p.Arg1346Ter (NM_001354897.2); c.3931A>T, p.Arg1311Ter (NM_001354898.2); c.3922A>T, p.Arg1308Ter (NM_001354899.2); c.3883A>T, p.Arg1295Ter (NM_001354900.2); c.3829A>T, p.Arg1277Ter (NM_001354901.2); and 5 more; short protein forms R1235*, R1245*, R1295*, R1311*, R1336*, R1354*, R1210*, R1053*.
Identifiers: ClinVar variation 648675 (VCV000648675.12), dbSNP rs1580642648, ClinGen allele CA16030117.